The following is an entry in ClinVar:

ClinVar aggregate classification (germline): Uncertain significance (0 of 4 stars; one submission).

Conditions:
CHD3-related disorder. Also called: CHD3-related condition.

Submission:

PreventionGenetics, part of Exact Sciences
Classification: Uncertain significance for CHD3-related condition. Last evaluated: 2024-06-28. Review status: no assertion criteria provided. Collection method: clinical testing. Allele origin: germline.
Comment: The CHD3 c.6023A>C variant is predicted to result in the amino acid substitution p.Asn2008Thr. To our knowledge, this variant has not been reported in the literature or in a large population database, indicating this variant is rare. At this time, the clinical significance of this variant is uncertain due to the absence of conclusive functional and genetic evidence.

NM_001005273.3(CHD3):c.5846A>C (p.Asn1949Thr)

Gene: CHD3 (chromodomain helicase DNA binding protein 3; plus strand). Cytogenetic location: 17p13.1.
Variant type: single nucleotide variant.
Coding change: c.5846A>C on transcript NM_001005273.3 (MANE Select); coding-DNA position 5846, A replaced by C.
Protein change: p.Asn1949Thr; replaces asparagine 1949 with threonine.
Molecular consequence: missense variant.
Genome position (GRCh38, 1-based): chr17:7,910,938, A>C. VCF-style: chr17-7910938-A-C. GRCh37 (hg19) VCF-style: chr17-7814256-A-C.
Other names: c.6023A>C, p.Asn2008Thr (NM_001005271.3); c.5744A>C, p.Asn1915Thr (NM_005852.4); short protein forms N1915T, N1949T, N2008T.
Identifiers: ClinVar variation 3347319 (VCV003347319.1).